The following is an entry in ClinVar:

ClinVar aggregate classification (germline): Benign (0 of 4 stars; one submission).

Conditions:
DCDC1-related disorder. Also called: DCDC1-related condition.

Allele frequency attached by ClinVar (database versions not stated): TOPMed 0.00012; gnomAD 0.00042; ExAC 0.00142; 1000 Genomes Project 30x 0.00172; 1000 Genomes Project 0.00220.
gnomAD v4.1: 911 of 766,022 alleles (0.12%); highest among the groups gnomAD compares: South Asian, 1.1%; 12 homozygotes.

Submission:

PreventionGenetics, part of Exact Sciences
Classification: Benign for DCDC1-related condition. Last evaluated: 2019-05-14. Review status: no assertion criteria provided. Collection method: clinical testing. Allele origin: germline.
Comment: This variant is classified as benign based on ACMG/AMP sequence variant interpretation guidelines (Richards et al. 2015 PMID: 25741868, with internal and published modifications).

NM_001387274.1(DCDC1):c.2298+8C>T

Gene: DCDC1 (doublecortin domain containing 1; minus strand). Cytogenetic location: 11p13.
Variant type: single nucleotide variant.
Coding change: c.2298+8C>T on transcript NM_001387274.1 (MANE Select); 8 bases into the intron after coding-DNA position 2298, C replaced by T.
Molecular consequence: intron variant.
Genome position (GRCh38, 1-based): chr11:31,077,857, G>A on the plus strand (C>T on the coding strand, the complement: DCDC1 is on the minus strand). VCF-style: chr11-31077857-G-A. GRCh37 (hg19) VCF-style: chr11-31099404-G-A.
Other names: NM_001350255.1:c.1155+8C>T; c.2298+8C>T (NM_001367979.1).
Identifiers: ClinVar variation 3041862 (VCV003041862.2), dbSNP rs534520626, ClinGen allele CA5932125.